The following is an entry in ClinVar:

ClinVar aggregate classification (germline): Uncertain significance (1 of 4 stars; one submission).

Conditions:
Werner syndrome (WRN). Identifiers: Orphanet 902, MedGen C0043119, MONDO:0010196, OMIM 277700.

Allele frequency attached by ClinVar (database versions not stated): TOPMed below 0.00001.

Submission:

Labcorp Genetics (formerly Invitae), Labcorp
Classification: Uncertain significance for Werner syndrome. Last evaluated: 2024-04-22. Review status: criteria provided, single submitter. Criteria: Invitae Variant Classification Sherloc (09022015). Collection method: clinical testing. Allele origin: germline.
Comment: This sequence change replaces isoleucine, which is neutral and non-polar, with threonine, which is neutral and polar, at codon 300 of the WRN protein (p.Ile300Thr). This variant is not present in population databases (gnomAD no frequency). This variant has not been reported in the literature in individuals affected with WRN-related conditions. ClinVar contains an entry for this variant (Variation ID: 1056422). An algorithm developed to predict the effect of missense changes on protein structure and function (PolyPhen-2) suggests that this variant is likely to be tolerated. In summary, the available evidence is currently insufficient to determine the role of this variant in disease. Therefore, it has been classified as a Variant of Uncertain Significance.

NM_000553.6(WRN):c.899T>C (p.Ile300Thr)

Gene: WRN (WRN RecQ like helicase; plus strand). Cytogenetic location: 8p12.
Variant type: single nucleotide variant.
Coding change: c.899T>C on transcript NM_000553.6 (MANE Select); coding-DNA position 899, T replaced by C.
Protein change: p.Ile300Thr; replaces isoleucine 300 with threonine.
Molecular consequence: missense variant.
Genome position (GRCh38, 1-based): chr8:31,080,926, T>C. VCF-style: chr8-31080926-T-C. GRCh37 (hg19) VCF-style: chr8-30938442-T-C.
Other names: short protein forms I300T.
Identifiers: ClinVar variation 1056422 (VCV001056422.3), dbSNP rs1813277885, ClinGen allele CA370919800.